The following is an entry in ClinVar:

ClinVar aggregate classification (germline): Uncertain significance (1 of 4 stars; one submission).

Conditions:
Familial cold autoinflammatory syndrome 4 (FCAS4). Identifiers: Orphanet 47045, Orphanet 576349, MedGen C4015276, MONDO:0014498, OMIM 616115.
Periodic fever-infantile enterocolitis-autoinflammatory syndrome. Also called: Autoinflammation with infantile enterocolitis. Identifiers: Orphanet 436166, MedGen C4015067, MONDO:0014472, OMIM 616050.

Submission:

Labcorp Genetics (formerly Invitae), Labcorp
Classification: Uncertain significance for Periodic fever-infantile enterocolitis-autoinflammatory syndrome; Familial cold autoinflammatory syndrome 4. Last evaluated: 2018-10-31. Review status: criteria provided, single submitter. Criteria: Invitae Variant Classification Sherloc (09022015). Collection method: clinical testing. Allele origin: germline.
Comment: In summary, the available evidence is currently insufficient to determine the role of this variant in disease. Therefore, it has been classified as a Variant of Uncertain Significance. The current clinical and genetic evidence is not sufficient to establish whether loss-of-function variants in NLRC4 cause disease. This variant has not been reported in the literature in individuals with NLRC4-related disease. This variant is not present in population databases (ExAC no frequency). This sequence change is an Alu-mediated insertion in exon 4 of the NLRC4 mRNA (c.741_742insAlu), causing a frameshift at codon 247 (p.Leu247fs). The exact size and sequence of the insertion cannot be determined by the current assay. However, the insertion is expected to result in an absent or disrupted protein product.

NM_001199138.2(NLRC4):c.741_742insTTTTTTTTTTNNNNNNNNNNGGGAGACCGTGGAGGGAGACGGAGACGGAGACGGAGACGGAGACGGAGAGGGAGAGGGAGAGGGAGAGGGAGAGGGAGAGGGAGAGGGAGAGGGAGAGTTCTTTTCCTTCTT (p.Leu247_Asp248insPhePhePheXaaXaaXaaXaaGlyAspArgGlyGlyArgArgArgArgArgArgArgArgArgArgArgGlyArgGlyArgGlyArgGlyArgGlyArgGlyArgGlyArgGlyArgValLeuPheLeuLeu)

Gene: NLRC4 (NLR family CARD domain containing 4; minus strand). Cytogenetic location: 2p22.3.
Variant type: Microsatellite.
Coding change: c.741_742insTTTTTTTTTTNNNNNNNNNNGGGAGACCGTGGAGGGAGACGGAGACGGAGACGGAGACGGAGACGGAGAGGGAGAGGGAGAGGGAGAGGGAGAGGGAGAGGGAGAGGGAGAGGGAGAGTTCTTTTCCTTCTT on transcript NM_001199138.2 (MANE Select); coding-DNA positions 741 to 742, TTTTTTTTTTNNNNNNNNNNGGGAGACCGTGGAGGGAGACGGAGACGGAGACGGAGACGGAGACGGAGAGGGAGAGGGAGAGGGAGAGGGAGAGGGAGAGGGAGAGGGAGAGGGAGAGTTCTTTTCCTTCTT inserted.
Protein change: p.Leu247_Asp248insPhePhePheXaaXaaXaaXaaGlyAspArgGlyGlyArgArgArgArgArgArgArgArgArgArgArgGlyArgGlyArgGlyArgGlyArgGlyArgGlyArgGlyArgGlyArgValLeuPheLeuLeu.
Molecular consequence: inframe insertion. On other transcripts: inframe indel (2), intron variant (1).
Genome position: GRCh38: chr2:32,251,123-32,251,137. GRCh37 (hg19): chr2:32,476,192-32,476,206.
Other names: c.727_741CTT[2][1], p.Val243_Phe245del (NM_001199139.2, NM_021209.5); c.262+1296_262+1297insGTTCTTTTCCTTCTTTTTTTTTTTTNNNNNNNNNNGGGAGACCGTGGAGGGAGACGGAGACGGAGACGGAGACGGAGACGGAGAGGGAGAGGGAGAGGGAGAGGGAGAGGGAGAGGGAGAGGGAGAGGGAGA (NM_001302504.1).
Identifiers: ClinVar variation 1058611 (VCV001058611.8).